The following is an entry in ClinVar:

ClinVar aggregate classification (germline): Likely benign. Review status: criteria provided, multiple submitters, no conflicts (2 of 4 stars). 3 submissions from 3 submitters: Likely benign (3). Last evaluated 2026-06-17.

Conditions:
VCAN-related disorder. Also called: VCAN-related condition.

Allele frequency attached by ClinVar (database versions not stated): TOPMed 0.00003; gnomAD 0.00004; ExAC 0.00005; gnomAD exomes 0.00006; ESP Exome Variant Server 0.00008; 1000 Genomes Project 30x 0.00016; 1000 Genomes Project 0.00020.
gnomAD v4.1: 62 of 1,614,152 alleles (0.0038%); highest among the groups gnomAD compares: East Asian, 0.0089%; no homozygotes.

Submissions (3):

PreventionGenetics, part of Exact Sciences
Classification: Likely benign for VCAN-related condition. Last evaluated: 2026-06-17. Review status: criteria provided, single submitter. Criteria: ACMG Guidelines, 2015. Collection method: clinical testing. Allele origin: germline.
Comment: This variant is classified as likely benign based on ACMG/AMP sequence variant interpretation guidelines (Richards et al. 2015 PMID: 25741868, with internal and published modifications).

Labcorp Genetics (formerly Invitae), Labcorp
Classification: Likely benign. Last evaluated: 2025-12-20. Review status: criteria provided, single submitter. Criteria: Invitae Variant Classification Sherloc (09022015). Collection method: clinical testing. Allele origin: germline.

Blueprint Genetics
Classification: Likely benign. Last evaluated: 2024-06-05. Review status: criteria provided, single submitter. Criteria: ACMG Guidelines, 2015. Collection method: clinical testing. Allele origin: germline.

NM_004385.5(VCAN):c.321C>T (p.Pro107=)

Gene: VCAN (versican; plus strand). Cytogenetic location: 5q14.2.
Variant type: single nucleotide variant.
Coding change: c.321C>T on transcript NM_004385.5 (MANE Select); coding-DNA position 321, C replaced by T.
Protein change: p.Pro107=; no amino-acid change (proline 107 retained).
Molecular consequence: synonymous variant.
Genome position (GRCh38, 1-based): chr5:83,490,348, C>T. VCF-style: chr5-83490348-C-T. GRCh37 (hg19) VCF-style: chr5-82786167-C-T.
Other names: c.321C>T, p.Pro107= (NM_001126336.3, NM_001164097.2, NM_001164098.2); c.321C>T (NM_004385.4).
Identifiers: ClinVar variation 1668424 (VCV001668424.10), dbSNP rs376721995, ClinGen allele CA3332422.